The following is an entry in ClinVar:

ClinVar aggregate classification (germline): Uncertain significance (1 of 4 stars; one submission).

Submission:

Labcorp Genetics (formerly Invitae), Labcorp
Classification: Uncertain significance. Last evaluated: 2025-10-02. Review status: criteria provided, single submitter. Criteria: Invitae Variant Classification Sherloc (09022015). Collection method: clinical testing. Allele origin: germline.
Comment: This sequence change replaces proline, which is neutral and non-polar, with arginine, which is basic and polar, at codon 2195 of the SZT2 protein (p.Pro2195Arg). This variant is not present in population databases (gnomAD no frequency). This variant has not been reported in the literature in individuals affected with SZT2-related conditions. Invitae Evidence Modeling of protein sequence and biophysical properties (such as structural, functional, and spatial information, amino acid conservation, physicochemical variation, residue mobility, and thermodynamic stability) indicates that this missense variant is expected to disrupt SZT2 protein function with a positive predictive value of 80%. In summary, the available evidence is currently insufficient to determine the role of this variant in disease. Therefore, it has been classified as a Variant of Uncertain Significance.

NM_001365999.1(SZT2):c.6755C>G (p.Pro2252Arg)

Gene: SZT2 (SZT2 subunit of KICSTOR complex; plus strand). Cytogenetic location: 1p34.2.
Variant type: single nucleotide variant.
Coding change: c.6755C>G on transcript NM_001365999.1 (MANE Select); coding-DNA position 6755, C replaced by G.
Protein change: p.Pro2252Arg; replaces proline 2252 with arginine.
Molecular consequence: missense variant.
Genome position (GRCh38, 1-based): chr1:43,439,056, C>G. VCF-style: chr1-43439056-C-G. GRCh37 (hg19) VCF-style: chr1-43904727-C-G.
Other names: c.6584C>G, p.Pro2195Arg (NM_015284.4); short protein forms P2195R, P2252R.
Identifiers: ClinVar variation 4810488 (VCV004810488.1).